The following is an entry in ClinVar:

ClinVar aggregate classification (germline): Uncertain significance (1 of 4 stars; one submission).

Conditions:
Arrhythmogenic right ventricular cardiomyopathy (ARVD). Also called: Arrhythmogenic cardiomyopathy; Cardiomyopathy, ARVC; Arrhythmogenic right ventricular dysplasia; Arrhythmogenic Right Ventricular Cardiomyopathy (ARVC). Identifiers: Orphanet 247, MedGen C0349788, MeSH D019571, MONDO:0016587. Disease mechanism: loss of function. Inheritance: Various modes of inheritance.

Submission:

Agnes Ginges Centre for Molecular Cardiology, Centenary Institute
Classification: Uncertain significance for Arrhythmogenic right ventricular cardiomyopathy. Last evaluated: 2017-05-02. Review status: criteria provided, single submitter. Criteria: ACMG Guidelines, 2015. Collection method: research. Allele origin: germline. Affected: yes.
Comment: This variant has been identified as part of our research program. Refer to the 'condition' field for the phenotype of the proband(s) identified with this variant. For further information please feel free to contact us.

NM_001035.3(RYR2):c.7382G>A (p.Cys2461Tyr)

Gene: RYR2 (ryanodine receptor 2; plus strand). Cytogenetic location: 1q43.
Variant type: single nucleotide variant.
Coding change: c.7382G>A on transcript NM_001035.3 (MANE Select); coding-DNA position 7382, G replaced by A.
Protein change: p.Cys2461Tyr; replaces cysteine 2461 with tyrosine.
Molecular consequence: missense variant.
Genome position (GRCh38, 1-based): chr1:237,648,483, G>A. VCF-style: chr1-237648483-G-A. GRCh37 (hg19) VCF-style: chr1-237811783-G-A.
Other names: short protein forms C2461Y.
Identifiers: ClinVar variation 692122 (VCV000692122.2), dbSNP rs373193260, ClinGen allele CA345398112.